The following is an entry in ClinVar:

ClinVar aggregate classification (germline): Benign. Review status: criteria provided, multiple submitters, no conflicts (2 of 4 stars). 2 submissions from 2 submitters: Benign (2). Last evaluated 2018-11-19.

Submissions (2):

Athena Diagnostics
Classification: Benign. Last evaluated: 2018-11-19. Review status: criteria provided, single submitter. Criteria: Athena Diagnostics Criteria. Collection method: clinical testing. Allele origin: germline.

Laboratory for Molecular Medicine, Mass General Brigham Personalized Medicine
Classification: Benign. Last evaluated: 2012-05-14. Review status: criteria provided, single submitter. Criteria: LMM Criteria. Collection method: clinical testing. Allele origin: germline. Observed: 25 variant alleles.
Comment: m.1598G>A in MTRNR1: This variant is not expected to have clinical significance because it is reported at a frequency ranging from 0.6% to 12.5% across a broad multi-ethnic population (mtDB:, MitoMap).

Literature cited by the submitters: PubMed 18790089 (cited by Athena Diagnostics); PubMed 19371214 (cited by Athena Diagnostics); PubMed 20353758 (cited by Athena Diagnostics); PubMed 1442494 (cited by Athena Diagnostics); PubMed 12031626 (cited by Athena Diagnostics); PubMed 15286157 (cited by Athena Diagnostics); PubMed 15841390 (cited by Athena Diagnostics and Laboratory for Molecular Medicine, Mass General Brigham Personalized Medicine).

NC_012920.1(MT-RNR1):m.1598G>A

Gene: MT-RNR1 (mitochondrially encoded 12S RNA; plus strand).
Variant type: single nucleotide variant.
Genome position: chrM-1598-G-A.
Identifiers: ClinVar variation 42223 (VCV000042223.5), dbSNP rs3135027, ClinGen allele CA131009.